The following is an entry in ClinVar:

ClinVar aggregate classification (germline): Uncertain significance (1 of 4 stars; one submission).

Conditions:
Gorlin syndrome. Also called: Basal cell nevus syndrome; Nevoid Basal Cell Carcinoma Syndrome. Identifiers: Orphanet 377, MedGen C0004779, MONDO:0007187.

Submission:

Labcorp Genetics (formerly Invitae), Labcorp
Classification: Uncertain significance for Gorlin syndrome. Last evaluated: 2021-09-23. Review status: criteria provided, single submitter. Criteria: Invitae Variant Classification Sherloc (09022015). Collection method: clinical testing. Allele origin: germline.
Comment: This variant is not present in population databases (ExAC no frequency). Algorithms developed to predict the effect of missense changes on protein structure and function are either unavailable or do not agree on the potential impact of this missense change (SIFT: "Deleterious"; PolyPhen-2: "Probably Damaging"; Align-GVGD: "Class C0"). This variant has not been reported in the literature in individuals affected with PTCH2-related conditions. In summary, the available evidence is currently insufficient to determine the role of this variant in disease. Therefore, it has been classified as a Variant of Uncertain Significance. This sequence change replaces phenylalanine with serine at codon 976 of the PTCH2 protein (p.Phe976Ser). The phenylalanine residue is moderately conserved and there is a large physicochemical difference between phenylalanine and serine.

NM_003738.5(PTCH2):c.2927T>C (p.Phe976Ser)

Gene: PTCH2 (patched 2; minus strand). Cytogenetic location: 1p34.1.
Variant type: single nucleotide variant.
Coding change: c.2927T>C on transcript NM_003738.5 (MANE Select); coding-DNA position 2927, T replaced by C.
Protein change: p.Phe976Ser; replaces phenylalanine 976 with serine.
Molecular consequence: missense variant.
Genome position (GRCh38, 1-based): chr1:44,826,537, A>G on the plus strand (T>C on the coding strand, the complement: PTCH2 is on the minus strand). VCF-style: chr1-44826537-A-G. GRCh37 (hg19) VCF-style: chr1-45292209-A-G.
Other names: c.2927T>C, p.Phe976Ser (NM_001166292.2); short protein forms F976S.
Identifiers: ClinVar variation 1450213 (VCV001450213.6), dbSNP rs2148874033, ClinGen allele CA340108988.